The following is an entry in ClinVar:

ClinVar aggregate classification (germline): Likely benign. Review status: criteria provided, multiple submitters, no conflicts (2 of 4 stars). 2 submissions from 2 submitters: Likely benign (2). Last evaluated 2026-08-14.

Conditions:
AMACR-related disorder. Also called: AMACR-Related Disorders; AMACR-related condition.
Alpha-methylacyl-CoA racemase deficiency (AMACRD). Also called: AMACR deficiency. Identifiers: Orphanet 79095, MedGen C3280428, MONDO:0013681, OMIM 614307. Disease mechanism: loss of function.

Allele frequency attached by ClinVar (database versions not stated): gnomAD 0.00001; TOPMed 0.00001.
gnomAD v4.1: 11 of 1,611,498 alleles (0.00068%); highest among the groups gnomAD compares: Non-Finnish European, 0.00093%; no homozygotes.

Submissions (2):

PreventionGenetics, part of Exact Sciences
Classification: Likely benign for AMACR-related condition. Last evaluated: 2026-08-14. Review status: criteria provided, single submitter. Criteria: ACMG Guidelines, 2015. Collection method: clinical testing. Allele origin: germline.
Comment: This variant is classified as likely benign based on ACMG/AMP sequence variant interpretation guidelines (Richards et al. 2015 PMID: 25741868, with internal and published modifications).

Labcorp Genetics (formerly Invitae), Labcorp
Classification: Likely benign for Alpha-methylacyl-CoA racemase deficiency. Last evaluated: 2024-06-19. Review status: criteria provided, single submitter. Criteria: Invitae Variant Classification Sherloc (09022015). Collection method: clinical testing. Allele origin: germline.

NM_014324.6(AMACR):c.39C>G (p.Gly13=)

Genes: AMACR (alpha-methylacyl-CoA racemase; minus strand), C1QTNF3-AMACR (C1QTNF3-AMACR readthrough (NMD candidate); minus strand). Cytogenetic location: 5p13.2.
Variant type: single nucleotide variant.
Coding change: c.39C>G on transcript NM_014324.6 (MANE Select); coding-DNA position 39, C replaced by G.
Protein change: p.Gly13=; no amino-acid change (glycine 13 retained).
Molecular consequence: synonymous variant.
Genome position (GRCh38, 1-based): chr5:34,007,981, G>C on the plus strand (C>G on the coding strand, the complement: AMACR is on the minus strand). VCF-style: chr5-34007981-G-C. GRCh37 (hg19) VCF-style: chr5-34008086-G-C.
Other names: c.39C>G (NM_014324.5); c.39C>G, p.Gly13= (NM_001167595.2, NM_203382.3).
Identifiers: ClinVar variation 2909130 (VCV002909130.4), dbSNP rs998840712, ClinGen allele CA116872901.